The following is an entry in ClinVar:

ClinVar aggregate classification (germline): Uncertain significance. Review status: criteria provided, multiple submitters, no conflicts (2 of 4 stars). 4 submissions from 4 submitters: Uncertain significance (4). Last evaluated 2025-11-05.

Conditions:
Sessile serrated polyposis cancer syndrome (SSPCS). Identifiers: Orphanet 157798, MedGen C4310714, MONDO:0014919, OMIM 617108.

Allele frequency attached by ClinVar (database versions not stated): gnomAD exomes below 0.00001 and 0.00002; ExAC 0.00001.
gnomAD v4.1: 26 of 1,608,738 alleles (0.0016%); highest among the groups gnomAD compares: Non-Finnish European, 0.0022%; no homozygotes.

Submissions (4):

Labcorp Genetics (formerly Invitae), Labcorp
Classification: Uncertain significance. Last evaluated: 2025-11-05. Review status: criteria provided, single submitter. Criteria: Invitae Variant Classification Sherloc (09022015). Collection method: clinical testing. Allele origin: germline.
Comment: This sequence change replaces phenylalanine, which is neutral and non-polar, with cysteine, which is neutral and slightly polar, at codon 562 of the RNF43 protein (p.Phe562Cys). This variant is present in population databases (rs766948615, gnomAD 0.0009%). This variant has not been reported in the literature in individuals affected with RNF43-related conditions. ClinVar contains an entry for this variant (Variation ID: 1492295). An algorithm developed to predict the effect of missense changes on protein structure and function (PolyPhen-2) suggests that this variant is likely to be disruptive. In summary, the available evidence is currently insufficient to determine the role of this variant in disease. Therefore, it has been classified as a Variant of Uncertain Significance.

Ambry Genetics
Classification: Uncertain significance. Last evaluated: 2025-02-03. Review status: criteria provided, single submitter. Criteria: Ambry Variant Classification Scheme 2023. Collection method: clinical testing. Allele origin: germline.
Comment: The p.F562C variant (also known as c.1685T>G), located in coding exon 8 of the RNF43 gene, results from a T to G substitution at nucleotide position 1685. The phenylalanine at codon 562 is replaced by cysteine, an amino acid with highly dissimilar properties. This amino acid position is conserved. In addition, this alteration is predicted to be tolerated by in silico analysis. Based on the available evidence, the clinical significance of this variant remains unclear.

Baylor Genetics
Classification: Uncertain significance for Sessile serrated polyposis cancer syndrome. Last evaluated: 2023-11-18. Review status: criteria provided, single submitter. Criteria: ACMG Guidelines, 2015. Collection method: clinical testing. Allele origin: unknown.

GeneDx
Classification: Uncertain significance. Last evaluated: 2023-06-14. Review status: criteria provided, single submitter. Criteria: GeneDx Variant Classification Process June 2021. Collection method: clinical testing. Allele origin: germline. Affected: yes.
Comment: Not observed at significant frequency in large population cohorts (gnomAD); In silico analysis supports that this missense variant does not alter protein structure/function; Has not been previously published as pathogenic or benign to our knowledge

NM_017763.6(RNF43):c.1685T>G (p.Phe562Cys)

Gene: RNF43 (ring finger protein 43; minus strand). Cytogenetic location: 17q22.
Variant type: single nucleotide variant.
Coding change: c.1685T>G on transcript NM_017763.6 (MANE Select); coding-DNA position 1685, T replaced by G.
Protein change: p.Phe562Cys; replaces phenylalanine 562 with cysteine.
Molecular consequence: missense variant.
Genome position (GRCh38, 1-based): chr17:58,358,091, A>C on the plus strand (T>G on the coding strand, the complement: RNF43 is on the minus strand). VCF-style: chr17-58358091-A-C. GRCh37 (hg19) VCF-style: chr17-56435452-A-C.
Other names: c.1685T>G, p.Phe562Cys (NM_001305544.3); c.1304T>G, p.Phe435Cys (NM_001305545.2); c.1685T>G (NM_017763.4); short protein forms F562C, F435C.
Identifiers: ClinVar variation 1492295 (VCV001492295.9), dbSNP rs766948615, ClinGen allele CA8673132.
Genomic context (GRCh38, chr17:58,358,091, plus strand): 5'-ATAGGAGGCCTGGACTGGGGGACTCCGGTTTCTGGGCCAGGCTTCCTGCCATGCCACTGG[A>C]ACCGCTTTTTGTAGTGGTGGTGCCGGTGGCGGTGGTAGTGGACATGGCTGGAAACCTGGG-3'
Protein context (NP_060233.3, residues 552-572): RHRHHHYKKR[Phe562Cys]QWHGRKPGPE